The following is an entry in ClinVar:

NM_000321.3(RB1):c.602C>T (p.Ala201Val)

Gene: RB1 (RB transcriptional corepressor 1; plus strand). Cytogenetic location: 13q14.2.
Variant type: single nucleotide variant.
Coding change: c.602C>T on transcript NM_000321.3 (MANE Select); coding-DNA position 602, C replaced by T.
Protein change: p.Ala201Val; replaces alanine 201 with valine.
Molecular consequence: missense variant.
Genome position (GRCh38, 1-based): chr13:48,349,018, C>T. VCF-style: chr13-48349018-C-T. GRCh37 (hg19) VCF-style: chr13-48923154-C-T.
Other names: c.602C>T, p.Ala201Val (NM_001407165.1, NM_001407166.1); short protein forms A201V.
Identifiers: ClinVar variation 3231244 (VCV003231244.1), dbSNP rs2138093761, ClinGen allele CA388157009.

ClinVar aggregate classification (germline): Uncertain significance (1 of 4 stars; one submission).

Conditions:
Hereditary cancer-predisposing syndrome. Also called: Neoplastic Syndromes, Hereditary; Tumor predisposition; Hereditary neoplastic syndrome; Hereditary Cancer Syndrome. Identifiers: Orphanet 140162, MedGen C0027672, MeSH D009386, MONDO:0015356.

Allele frequency attached by ClinVar (database versions not stated): gnomAD exomes below 0.00001.

Submission:

Ambry Genetics
Classification: Uncertain significance for Hereditary cancer-predisposing syndrome. Last evaluated: 2024-02-27. Review status: criteria provided, single submitter. Criteria: Ambry Variant Classification Scheme 2023. Collection method: clinical testing. Allele origin: germline.
Comment: The p.A201V variant (also known as c.602C>T), located in coding exon 6 of the RB1 gene, results from a C to T substitution at nucleotide position 602. The alanine at codon 201 is replaced by valine, an amino acid with similar properties. This amino acid position is conserved. In addition, the in silico prediction for this alteration is inconclusive. Based on the available evidence, the clinical significance of this alteration remains unclear.